The following is an entry in ClinVar:

ClinVar aggregate classification (germline): Pathogenic (1 of 4 stars; one submission).

Conditions:
Muscular dystrophy-dystroglycanopathy type B6 (MDDGB6). Also called: MUSCULAR DYSTROPHY-DYSTROGLYCANOPATHY (CONGENITAL WITH IMPAIRED INTELLECTUAL DEVELOPMENT), TYPE B, 6; MUSCULAR DYSTROPHY, CONGENITAL, LARGE-RELATED; MUSCULAR DYSTROPHY, CONGENITAL, TYPE 1D. Identifiers: MedGen C1837229, MONDO:0012138, OMIM 608840.

Submission:

Labcorp Genetics (formerly Invitae), Labcorp
Classification: Pathogenic for Muscular dystrophy-dystroglycanopathy type B6. Last evaluated: 2022-08-03. Review status: criteria provided, single submitter. Criteria: Invitae Variant Classification Sherloc (09022015). Collection method: clinical testing. Allele origin: germline.
Comment: This variant is a gross deletion of the genomic region encompassing exon(s) 3-7 of the LARGE1 gene, which includes the initiator codon. This deletion extends beyond the assayed region for this gene and therefore may encompass additional genes. It is expected to result in an absent or disrupted protein product. Loss-of-function variants in LARGE1 are known to be pathogenic (PMID: 12966029, 17878207). A similar copy number variant has been observed in individual(s) with clinical features of LARGE1-related conditions (PMID: 24709677). For these reasons, this variant has been classified as Pathogenic.

Literature cited by the submitters: PubMed 12966029; PubMed 17878207; PubMed 24709677.

NC_000022.10:g.(?_33960814)_(34157463_?)del

Gene: LARGE1 (LARGE xylosyl- and glucuronyltransferase 1; minus strand). Cytogenetic location: 22q12.3.
Variant type: Deletion.
Identifiers: ClinVar variation 2425219 (VCV002425219.5).